The following is an entry in ClinVar:

ClinVar aggregate classification (germline): Uncertain significance (1 of 4 stars; one submission).

Submission:

Labcorp Genetics (formerly Invitae), Labcorp
Classification: Uncertain significance. Last evaluated: 2025-10-21. Review status: criteria provided, single submitter. Criteria: Invitae Variant Classification Sherloc (09022015). Collection method: clinical testing. Allele origin: germline.
Comment: This sequence change replaces aspartic acid, which is acidic and polar, with histidine, which is basic and polar, at codon 1075 of the TRPM6 protein (p.Asp1075His). This variant is not present in population databases (gnomAD no frequency). This variant has not been reported in the literature in individuals affected with TRPM6-related conditions. ClinVar contains an entry for this variant (Variation ID: 2063970). Invitae Evidence Modeling of protein sequence and biophysical properties (such as structural, functional, and spatial information, amino acid conservation, physicochemical variation, residue mobility, and thermodynamic stability) indicates that this missense variant is not expected to disrupt TRPM6 protein function with a negative predictive value of 80%. In summary, the available evidence is currently insufficient to determine the role of this variant in disease. Therefore, it has been classified as a Variant of Uncertain Significance.

NM_017662.5(TRPM6):c.3223G>C (p.Asp1075His)

Gene: TRPM6 (transient receptor potential cation channel subfamily M member 6; minus strand). Cytogenetic location: 9q21.13.
Variant type: single nucleotide variant.
Coding change: c.3223G>C on transcript NM_017662.5 (MANE Select); coding-DNA position 3223, G replaced by C.
Protein change: p.Asp1075His; replaces aspartic acid 1075 with histidine.
Molecular consequence: missense variant.
Genome position (GRCh38, 1-based): chr9:74,776,063, C>G on the plus strand (G>C on the coding strand, the complement: TRPM6 is on the minus strand). VCF-style: chr9-74776063-C-G. GRCh37 (hg19) VCF-style: chr9-77390979-C-G.
Other names: c.3208G>C, p.Asp1070His (NM_001177310.2, NM_001177311.2); short protein forms D1075H, D1070H.
Identifiers: ClinVar variation 2063970 (VCV002063970.4), dbSNP rs2489944471, ClinGen allele CA373668823.
Genomic context (GRCh38, chr9:74,776,063, plus strand): 5'-AGGTCATGATGTAGCGATAGCGGTTGTATTTCCACAGGTTATTTGAAATGGATTCCATAT[C>G]TAAGTAAACGTTGCTGTAAGATGAAGTAAGAGAGGGACAATGTTTTAATATGAAGTCTTG-3'
Protein context (NP_060132.3, residues 1065-1085): LIAFFNNVYL[Asp1075His]MESISNNLWK